The following is an entry in ClinVar:

ClinVar aggregate classification (germline): Pathogenic (1 of 4 stars; one submission).

Conditions:
Retinitis pigmentosa 73 (RP73). Identifiers: Orphanet 791, MedGen C4225287, MONDO:0014687, OMIM 616544.
Mucopolysaccharidosis, MPS-III-C (MPS3C). Also called: SANFILIPPO SYNDROME C; MPS IIIC (Sanfilippo Syndrome Type C); MPS III C; Mucopolysaccharidosis type IIIC (Sanfilippo C); MUCOPOLYSACCHARIDOSIS, TYPE IIIC; mucopolysaccharidosis type 3C. Identifiers: Orphanet 581, Orphanet 79271, MedGen C0086649, MONDO:0009657, OMIM 252930.

Submission:

Labcorp Genetics (formerly Invitae), Labcorp
Classification: Pathogenic for Retinitis pigmentosa 73; Mucopolysaccharidosis, MPS-III-C. Last evaluated: 2022-09-07. Review status: criteria provided, single submitter. Criteria: Invitae Variant Classification Sherloc (09022015). Collection method: clinical testing. Allele origin: germline.
Comment: For these reasons, this variant has been classified as Pathogenic. This variant disrupts a region of the HGSNAT protein in which other variant(s) (p.Arg239Cys) have been determined to be pathogenic (PMID: 32770643; Invitae). This suggests that this is a clinically significant region of the protein, and that variants that disrupt it are likely to be disease-causing. This variant has not been reported in the literature in individuals affected with HGSNAT-related conditions. This variant is a gross deletion of the genomic region encompassing exon(s) 2-10 of the HGSNAT gene. This variant would be expected to be in-frame, preserving the integrity of the reading frame.

Literature cited by the submitters: PubMed 32770643.

NC_000008.10:g.(?_43002071)_(43033397_?)del

Gene: HGSNAT (heparan-alpha-glucosaminide N-acetyltransferase; plus strand). Cytogenetic location: 8p11.21.
Variant type: Deletion.
Identifiers: ClinVar variation 2427379 (VCV002427379.4).